The following is an entry in ClinVar:

NC_000016.9:g.(?_89864654)_(89866056_?)dup

Gene: FANCA (FA complementation group A; minus strand). Cytogenetic location: 16q24.3.
Variant type: Duplication.
Identifiers: ClinVar variation 658976 (VCV000658976.5).

ClinVar aggregate classification (germline): Likely pathogenic (1 of 4 stars; one submission).

Conditions:
Fanconi anemia (FA). Also called: Fanconi's anemia. Identifiers: Orphanet 84, MedGen C0015625, MeSH D005199, MONDO:0019391.

Submission:

Labcorp Genetics (formerly Invitae), Labcorp
Classification: Likely pathogenic for Fanconi anemia. Last evaluated: 2018-10-31. Review status: criteria provided, single submitter. Criteria: Invitae Variant Classification Sherloc (09022015). Collection method: clinical testing. Allele origin: germline.
Comment: In summary, the currently available evidence indicates that the variant is pathogenic, but additional data are needed to prove that conclusively. Therefore, this variant has been classified as Likely Pathogenic. Loss-of-function variants in FANCA are known to be pathogenic (PMID: 19367192). This variant has not been reported in the literature in individuals with FANCA-related disease. This variant results in a copy number gain of the genomic region encompassing exons 9-10 of the FANCA gene. While the exact position of this variant cannot be determined from this data, sub-genic copy number gains are generally in tandem (PMID: 25640679) and may result in an absent or disrupted protein product.

Literature cited by the submitters: PubMed 19367192; PubMed 25640679.